The following is an entry in ClinVar:

ClinVar aggregate classification (germline): Conflicting classifications of pathogenicity. Review status: criteria provided, conflicting classifications (1 of 4 stars). 12 submissions from 12 submitters: Uncertain significance (9); Likely benign (1). 2 of the submissions do not count toward it. Last evaluated 2026-10-23.

Conditions:
Hypertrophic cardiomyopathy 14. Identifiers: MedGen C2750467, MONDO:0013197, OMIM 613251.
MYH6-related disorder. Also called: MYH6-Related Disorders; MYH6-related condition.
Cardiovascular phenotype. Identifiers: MedGen CN230736.
Hypertrophic cardiomyopathy 1 (CMH1). Also called: Familial hypertrophic cardiomyopathy 1; MYH7-Related Familial Hypertrophic Cardiomyopathy. Identifiers: MedGen C3495498, MONDO:0008647, OMIM 192600.
Dilated cardiomyopathy 1EE (CMD1EE). Identifiers: Orphanet 154, MedGen C2750466, MONDO:0013198, OMIM 613252.
Sick sinus syndrome 3, susceptibility to (SSS3). Identifiers: Orphanet 166282, MedGen C3279791, MONDO:0013568, OMIM 614090.
Atrial septal defect 3 (ASD3). Identifiers: Orphanet 1478, MedGen C3279790, MONDO:0013567, OMIM 614089.
Left ventricular noncompaction. Identifiers: Orphanet 54260, MedGen C1960469, MONDO:0018901, HP:0030682.
Cardiomyopathy (CMYO). Also called: Cardiomyopathies. Identifiers: Orphanet 167848, MedGen C0878544, MONDO:0004994, HP:0001638. Inheritance: Various modes of inheritance.

Allele frequency attached by ClinVar (database versions not stated): gnomAD 0.00019 and 0.00021; gnomAD exomes 0.00003; ExAC 0.00003; ESP Exome Variant Server 0.00015; TOPMed 0.00020.
gnomAD v4.1: 77 of 1,611,036 alleles (0.0048%); highest among the groups gnomAD compares: African/African-American, 0.078%; no homozygotes.

Submissions (12):

GeneDx
Classification: Uncertain significance. Last evaluated: 2026-10-23. Review status: criteria provided, single submitter. Criteria: GeneDx Variant Classification Process June 2021. Collection method: clinical testing. Allele origin: germline.
Comment: Has not been previously published as pathogenic or benign to our knowledge; In silico analysis supports that this missense variant has a deleterious effect on protein structure/function

PreventionGenetics, part of Exact Sciences
Classification: Uncertain significance for MYH6-related condition. Last evaluated: 2026-04-27. Review status: criteria provided, single submitter. Criteria: ACMG Guidelines, 2015. Collection method: clinical testing. Allele origin: germline.
Comment: The MYH6 c.3383G>A variant is predicted to result in the amino acid substitution p.Arg1128His. To our knowledge, this variant has not been reported in the literature. This variant is reported in 0.055% of alleles in individuals of African descent in gnomAD. Although we suspect that this variant may be benign, at this time, the clinical significance of this variant is uncertain due to the absence of conclusive functional and genetic evidence.

Labcorp Genetics (formerly Invitae), Labcorp
Classification: Uncertain significance for Hypertrophic cardiomyopathy 14. Last evaluated: 2026-01-16. Review status: criteria provided, single submitter. Criteria: Invitae Variant Classification Sherloc (09022015). Collection method: clinical testing. Allele origin: germline.
Comment: This sequence change replaces arginine, which is basic and polar, with histidine, which is basic and polar, at codon 1128 of the MYH6 protein (p.Arg1128His). This variant is present in population databases (rs376002621, gnomAD 0.06%), and has an allele count higher than expected for a pathogenic variant. This variant has not been reported in the literature in individuals affected with MYH6-related conditions. ClinVar contains an entry for this variant (Variation ID: 44482). Invitae Evidence Modeling of protein sequence and biophysical properties (such as structural, functional, and spatial information, amino acid conservation, physicochemical variation, residue mobility, and thermodynamic stability) indicates that this missense variant is not expected to disrupt MYH6 protein function with a negative predictive value of 80%. In summary, the available evidence is currently insufficient to determine the role of this variant in disease. Therefore, it has been classified as a Variant of Uncertain Significance.

Ambry Genetics
Classification: Uncertain significance for Cardiovascular phenotype. Last evaluated: 2025-10-21. Review status: criteria provided, single submitter. Criteria: Ambry Variant Classification Scheme 2023. Collection method: clinical testing. Allele origin: germline.

Clinical Genetics Laboratory, Skane University Hospital Lund
Classification: Uncertain significance. Last evaluated: 2023-07-19. Review status: criteria provided, single submitter. Criteria: ACMG Guidelines, 2015. Collection method: clinical testing. Allele origin: germline. Affected: yes.

Blueprint Genetics
Classification: Likely benign. Last evaluated: 2022-06-23. Review status: criteria provided, single submitter. Criteria: ACMG Guidelines, 2015. Collection method: clinical testing. Allele origin: germline.

Fulgent Genetics
Classification: Uncertain significance for Hypertrophic cardiomyopathy 1; Hypertrophic cardiomyopathy 14; Dilated cardiomyopathy 1EE; Atrial septal defect 3; Sick sinus syndrome 3, susceptibility to. Last evaluated: 2021-09-01. Review status: criteria provided, single submitter. Criteria: ACMG Guidelines, 2015. Collection method: clinical testing. Allele origin: unknown.

CHEO Genetics Diagnostic Laboratory, Children's Hospital of Eastern Ontario
Classification: Uncertain significance for Cardiomyopathy. Last evaluated: 2019-10-16. Review status: criteria provided, single submitter. Criteria: ACMG Guidelines, 2015. Collection method: clinical testing. Allele origin: germline.

Molecular Diagnostic Laboratory for Inherited Cardiovascular Disease, Montreal Heart Institute
Classification: Uncertain significance for Left ventricular noncompaction. Last evaluated: 2017-05-23. Review status: criteria provided, single submitter. Criteria: ACMG Guidelines, 2015. Collection method: clinical testing. Allele origin: germline. Affected: yes.

Laboratory for Molecular Medicine, Mass General Brigham Personalized Medicine
Classification: Uncertain significance. Last evaluated: 2013-01-30. Review status: criteria provided, single submitter. Criteria: LMM Criteria. Collection method: clinical testing. Allele origin: germline. Observed: 1 variant allele.
Comment: The Arg1128His variant in MYH6 has not been reported in the literature nor previ ously identified by our laboratory. This variant has been identified in 2/4370 o f African American chromosomes from a broad population by the NHLBI Exome Sequen cing Project. Computational analyses (bioche mical amino acid properties, conservation, AlignGVGD, PolyPhen2, and SIFT) sugge st that the Arg1128His variant may impact the protein, though this information i s not predictive enough to determine pathogenicity. Additional information is n eeded to fully assess the clinical significance of the Arg1128His variant.

Clinical Genetics DNA and cytogenetics Diagnostics Lab, Erasmus MC, Erasmus Medical Center
Classification: Uncertain significance. Review status: no assertion criteria provided. Collection method: clinical testing. Allele origin: germline. Affected: yes. Study: VKGL Data-share Consensus. Not counted in ClinVar's aggregate classification.

Clinical Genetics, Academic Medical Center
Classification: Uncertain significance. Review status: no assertion criteria provided. Collection method: clinical testing. Allele origin: germline. Affected: yes. Study: VKGL Data-share Consensus. Not counted in ClinVar's aggregate classification.

NM_002471.4(MYH6):c.3383G>A (p.Arg1128His)

Gene: MYH6 (myosin heavy chain 6; minus strand). Cytogenetic location: 14q11.2.
Variant type: single nucleotide variant.
Coding change: c.3383G>A on transcript NM_002471.4 (MANE Select); coding-DNA position 3383, G replaced by A.
Protein change: p.Arg1128His; replaces arginine 1128 with histidine.
Molecular consequence: missense variant.
Genome position (GRCh38, 1-based): chr14:23,390,406, C>T on the plus strand (G>A on the coding strand, the complement: MYH6 is on the minus strand). VCF-style: chr14-23390406-C-T. GRCh37 (hg19) VCF-style: chr14-23859615-C-T.
Other names: short protein forms R1128H.
Identifiers: ClinVar variation 44482 (VCV000044482.27), dbSNP rs376002621, ClinGen allele CA134328.